The following is an entry in ClinVar:

NM_000069.3(CACNA1S):c.5177T>C (p.Leu1726Pro)

Gene: CACNA1S (calcium voltage-gated channel subunit alpha1 S; minus strand). Cytogenetic location: 1q32.1.
Variant type: single nucleotide variant.
Coding change: c.5177T>C on transcript NM_000069.3 (MANE Select); coding-DNA position 5177, T replaced by C.
Protein change: p.Leu1726Pro; replaces leucine 1726 with proline.
Molecular consequence: missense variant.
Genome position (GRCh38, 1-based): chr1:201,040,671, A>G on the plus strand (T>C on the coding strand, the complement: CACNA1S is on the minus strand). VCF-style: chr1-201040671-A-G. GRCh37 (hg19) VCF-style: chr1-201009799-A-G.
Other names: short protein forms L1726P.
Identifiers: ClinVar variation 3345461 (VCV003345461.1).

ClinVar aggregate classification (germline): Uncertain significance (0 of 4 stars; one submission).

Conditions:
CACNA1S-related disorder. Also called: CACNA1S-related condition.

gnomAD v4.1: 1 of 1,614,138 alleles (0.000062%); highest among the groups gnomAD compares: Non-Finnish European, 0.000085%; no homozygotes.

Submission:

PreventionGenetics, part of Exact Sciences
Classification: Uncertain significance for CACNA1S-related condition. Last evaluated: 2024-04-22. Review status: no assertion criteria provided. Collection method: clinical testing. Allele origin: germline.
Comment: The CACNA1S c.5177T>C variant is predicted to result in the amino acid substitution p.Leu1726Pro. To our knowledge, this variant has not been reported in the literature or in a large population database, indicating this variant is rare. At this time, the clinical significance of this variant is uncertain due to the absence of conclusive functional and genetic evidence.